The following is an entry in ClinVar:

ClinVar aggregate classification (germline): Pathogenic (1 of 4 stars; one submission).

Conditions:
Hereditary cancer-predisposing syndrome. Also called: Hereditary neoplastic syndrome; Neoplastic Syndromes, Hereditary; Tumor predisposition; Hereditary Cancer Syndrome. Identifiers: Orphanet 140162, MedGen C0027672, MeSH D009386, MONDO:0015356.

Submission:

Ambry Genetics
Classification: Pathogenic for Hereditary cancer-predisposing syndrome. Last evaluated: 2025-01-31. Review status: criteria provided, single submitter. Criteria: Ambry Variant Classification Scheme 2023. Collection method: clinical testing. Allele origin: germline.
Comment: The c.4242_4244delAGAinsG variant, located in coding exon 11 of the BRCA1 gene, results from the deletion of 3 nucleotides and insertion of one nucleotide causing a translational frameshift with a predicted alternate stop codon (p.E1415Sfs*12). This variant is considered to be rare based on population cohorts in the Genome Aggregation Database (gnomAD). This alteration is expected to result in loss of function by premature protein truncation or nonsense-mediated mRNA decay. As such, this alteration is interpreted as a disease-causing mutation.

NM_007294.4(BRCA1):c.4242_4244delinsG (p.Glu1415fs)

Gene: BRCA1 (BRCA1 DNA repair associated; minus strand). Cytogenetic location: 17q21.31.
Variant type: Indel.
Coding change: c.4242_4244delinsG on transcript NM_007294.4 (MANE Select); coding-DNA positions 4242 to 4244, AGA replaced by G.
Protein change: p.Glu1415fs; shifts the reading frame from glutamic acid 1415.
Molecular consequence: frameshift variant.
Genome position (GRCh38, 1-based): chr17:43,082,517-43,082,519, TCT replaced by C on the plus strand (AGA replaced by G on the coding strand, the reverse complement: BRCA1 is on the minus strand). VCF-style: chr17-43082517-TCT-C. GRCh37 (hg19) VCF-style: chr17-41234534-TCT-C.
Other names: c.924_926delinsG, p.Glu309fs (NM_001408406.1, NM_001408408.1); c.927_929delinsG, p.Glu310fs (NM_001408407.1, NM_001408400.1, NM_001408401.1 and 1 more transcripts); c.855_857delinsG, p.Glu286fs (NM_001408409.1, NM_001408411.1, NM_001408412.1 and 2 more transcripts); c.792_794delinsG, p.Glu265fs (NM_001408410.1, NM_001408452.1, NM_001408453.1 and 8 more transcripts); c.852_854delinsG, p.Glu285fs (NM_001408413.1, NM_001408416.1); c.816_818delinsG, p.Glu273fs (NM_001408420.1, NM_001408422.1, NM_001408423.1 and 2 more transcripts); c.813_815delinsG, p.Glu272fs (NM_001408421.1, NM_001408424.1, NM_001408431.1); c.4236_4238delinsG, p.Glu1413fs (NM_001407632.1, NM_001407644.1, NM_001407645.1 and 5 more transcripts); and 51 more; short protein forms E1288fs, E1326fs, E1368fs, E1373fs, E1388fs, E1411fs, E144fs, E185fs.
Identifiers: ClinVar variation 3825301 (VCV003825301.1).